The following is an entry in ClinVar:

ClinVar aggregate classification (germline): Uncertain significance (1 of 4 stars; one submission).

Conditions:
Combined oxidative phosphorylation defect type 17. Also called: Combined oxidative phosphorylation deficiency 17. Identifiers: Orphanet 369913, MedGen C3809526, MONDO:0014190, OMIM 615440.

gnomAD v4.1: 8 of 1,613,438 alleles (0.0005%); highest among the groups gnomAD compares: East Asian, 0.013%; no homozygotes.

Submission:

Labcorp Genetics (formerly Invitae), Labcorp
Classification: Uncertain significance for Combined oxidative phosphorylation defect type 17. Last evaluated: 2025-08-11. Review status: criteria provided, single submitter. Criteria: Invitae Variant Classification Sherloc (09022015). Collection method: clinical testing. Allele origin: germline.
Comment: This sequence change replaces arginine, which is basic and polar, with glutamine, which is neutral and polar, at codon 812 of the ELAC2 protein (p.Arg812Gln). This variant is not present in population databases (gnomAD no frequency). This variant has not been reported in the literature in individuals affected with ELAC2-related conditions. ClinVar contains an entry for this variant (Variation ID: 1363111). An algorithm developed to predict the effect of missense changes on protein structure and function outputs the following: PolyPhen-2: "Benign". The glutamine amino acid residue is found in multiple mammalian species, which suggests that this missense change does not adversely affect protein function. In summary, the available evidence is currently insufficient to determine the role of this variant in disease. Therefore, it has been classified as a Variant of Uncertain Significance.

NM_018127.7(ELAC2):c.2435G>A (p.Arg812Gln)

Gene: ELAC2 (elaC ribonuclease Z 2; minus strand). Cytogenetic location: 17p12.
Variant type: single nucleotide variant.
Coding change: c.2435G>A on transcript NM_018127.7 (MANE Select); coding-DNA position 2435, G replaced by A.
Protein change: p.Arg812Gln; replaces arginine 812 with glutamine.
Molecular consequence: missense variant.
Genome position (GRCh38, 1-based): chr17:12,992,864, C>T on the plus strand (G>A on the coding strand, the complement: ELAC2 is on the minus strand). VCF-style: chr17-12992864-C-T. GRCh37 (hg19) VCF-style: chr17-12896181-C-T.
Other names: c.2315G>A, p.Arg772Gln (NM_001165962.2); c.2432G>A, p.Arg811Gln (NM_173717.2); short protein forms R811Q, R772Q, R812Q.
Identifiers: ClinVar variation 1363111 (VCV001363111.6), dbSNP rs560083267, ClinGen allele CA398222089.